The following is an entry in ClinVar:

ClinVar aggregate classification (germline): Uncertain significance. Review status: criteria provided, multiple submitters, no conflicts (2 of 4 stars). 2 submissions from 2 submitters: Uncertain significance (2). Last evaluated 2022-12-21.

Conditions:
Gastrointestinal stromal tumor. Also called: Gastrointestinal stroma tumor; Gastrointestinal stromal tumor, somatic. Identifiers: Orphanet 44890, MedGen C0238198, MeSH D046152, MONDO:0011719, OMIM 606764, HP:0100723.
Pheochromocytoma/paraganglioma syndrome 3. Also called: SDHC-Related Hereditary Paraganglioma-Pheochromocytoma Syndrome (Paragangliomas 3); Paragangliomas 3; SDHC-Related Hereditary Paraganglioma-Pheochromocytoma Syndrome; GLOMUS TUMORS, FAMILIAL, 3. Identifiers: Orphanet 29072, MedGen C1854336, MONDO:0011544, OMIM 605373.

Submissions (2):

Blueprint Genetics
Classification: Uncertain significance. Last evaluated: 2022-12-21. Review status: criteria provided, single submitter. Criteria: ACMG Guidelines, 2015. Collection method: clinical testing. Allele origin: germline.

Labcorp Genetics (formerly Invitae), Labcorp
Classification: Uncertain significance for Pheochromocytoma/paraganglioma syndrome 3; Gastrointestinal stromal tumor. Last evaluated: 2022-04-25. Review status: criteria provided, single submitter. Criteria: Invitae Variant Classification Sherloc (09022015). Collection method: clinical testing. Allele origin: germline.
Comment: This sequence change falls in intron 1 of the SDHC gene. It does not directly change the encoded amino acid sequence of the SDHC protein. It affects a nucleotide within the consensus splice site. This variant is not present in population databases (gnomAD no frequency). This variant has not been reported in the literature in individuals affected with SDHC-related conditions. Variants that disrupt the consensus splice site are a relatively common cause of aberrant splicing (PMID: 17576681, 9536098). Algorithms developed to predict the effect of sequence changes on RNA splicing suggest that this variant is not likely to affect RNA splicing. In summary, the available evidence is currently insufficient to determine the role of this variant in disease. Therefore, it has been classified as a Variant of Uncertain Significance.

Literature cited by the submitters: PubMed 17576681 (cited by Labcorp Genetics (formerly Invitae), Labcorp); PubMed 9536098 (cited by Labcorp Genetics (formerly Invitae), Labcorp).

NM_003001.5(SDHC):c.20+6T>A

Gene: SDHC (succinate dehydrogenase complex subunit C; plus strand). Cytogenetic location: 1q23.3.
Variant type: single nucleotide variant.
Coding change: c.20+6T>A on transcript NM_003001.5 (MANE Select); 6 bases into the intron after coding-DNA position 20, T replaced by A.
Molecular consequence: intron variant. On other transcripts: 5 prime UTR variant (1).
Genome position (GRCh38, 1-based): chr1:161,314,431, T>A. VCF-style: chr1-161314431-T-A. GRCh37 (hg19) VCF-style: chr1-161284221-T-A.
Other names: c.20+6T>A (NM_001407121.1, NM_001407117.1, NM_001035513.3 and 6 more transcripts); c.-210+6T>A (NM_001407120.1); c.-535T>A (NM_001407119.1).
Identifiers: ClinVar variation 2163749 (VCV002163749.5), dbSNP rs1013252106, ClinGen allele CA2580061300.